The following is an entry in ClinVar:

ClinVar aggregate classification (germline): Uncertain significance (1 of 4 stars; one submission).

Submission:

Labcorp Genetics (formerly Invitae), Labcorp
Classification: Uncertain significance. Last evaluated: 2025-01-21. Review status: criteria provided, single submitter. Criteria: Invitae Variant Classification Sherloc (09022015). Collection method: clinical testing. Allele origin: germline.
Comment: This sequence change replaces aspartic acid, which is acidic and polar, with alanine, which is neutral and non-polar, at codon 904 of the CTNNA1 protein (p.Asp904Ala). This variant is not present in population databases (gnomAD no frequency). This variant has not been reported in the literature in individuals affected with CTNNA1-related conditions. An algorithm developed to predict the effect of missense changes on protein structure and function (PolyPhen-2) suggests that this variant is likely to be tolerated. In summary, the available evidence is currently insufficient to determine the role of this variant in disease. Therefore, it has been classified as a Variant of Uncertain Significance.

NM_001903.5(CTNNA1):c.2711A>C (p.Asp904Ala)

Gene: CTNNA1 (catenin alpha 1; plus strand). Cytogenetic location: 5q31.2.
Variant type: single nucleotide variant.
Coding change: c.2711A>C on transcript NM_001903.5 (MANE Select); coding-DNA position 2711, A replaced by C.
Protein change: p.Asp904Ala; replaces aspartic acid 904 with alanine.
Molecular consequence: missense variant. On other transcripts: 3 prime UTR variant (5).
Genome position (GRCh38, 1-based): chr5:138,934,079, A>C. VCF-style: chr5-138934079-A-C. GRCh37 (hg19) VCF-style: chr5-138269768-A-C.
Other names: c.*256A>C (NM_001290307.3, NM_001324002.1, NM_001324003.1 and 2 more transcripts); c.2402A>C, p.Asp801Ala (NM_001290309.3); c.2342A>C, p.Asp781Ala (NM_001290310.3); c.1601A>C, p.Asp534Ala (NM_001290312.1, NM_001323994.1, NM_001323995.1 and 12 more transcripts); c.2711A>C, p.Asp904Ala (NM_001323982.2, NM_001323983.1, NM_001323984.2); c.1466A>C, p.Asp489Ala (NM_001324001.1); c.2684A>C, p.Asp895Ala (NM_001323985.2); c.2618A>C, p.Asp873Ala (NM_001323986.2); and 3 more; short protein forms D453A, D489A, D534A, D801A, D895A, D503A, D781A, D873A.
Identifiers: ClinVar variation 3729286 (VCV003729286.2).